The following is an entry in ClinVar:

ClinVar aggregate classification (germline): Uncertain significance. Review status: criteria provided, multiple submitters, no conflicts (2 of 4 stars). 2 submissions from 2 submitters: Uncertain significance (2). Last evaluated 2025-11-04.

Conditions:
Hereditary cancer-predisposing syndrome. Also called: Neoplastic Syndromes, Hereditary; Tumor predisposition; Hereditary Cancer Syndrome; Hereditary neoplastic syndrome. Identifiers: Orphanet 140162, MedGen C0027672, MeSH D009386, MONDO:0015356.
Fanconi anemia complementation group J. Also called: BRIP1-Related Fanconi Anemia. Identifiers: Orphanet 84, MedGen C1836860, MONDO:0012187, OMIM 609054.
Familial cancer of breast. Also called: BREAST CANCER, FAMILIAL; Hereditary breast cancer; hereditary breast carcinoma. Identifiers: Orphanet 227535, MedGen C0346153, MONDO:0016419, OMIM 114480. Disease mechanism: loss of function.

Submissions (2):

Color Diagnostics, LLC DBA Color Health
Classification: Uncertain significance for Hereditary cancer-predisposing syndrome. Last evaluated: 2025-11-04. Review status: criteria provided, single submitter. Criteria: ACMG Guidelines, 2015. Collection method: clinical testing. Allele origin: germline.
Comment: This missense variant replaces alanine with valine at codon 599 of the BRIP1 protein. Computational prediction suggests that this variant may not impact protein structure and function. To our knowledge, functional studies have not been reported for this variant. This variant has been reported in an individual affected with breast cancer (PMID: 26921362). This variant has not been identified in the general population by the Genome Aggregation Database (gnomAD). The available evidence is insufficient to determine the role of this variant in disease conclusively. Therefore, this variant is classified as a Variant of Uncertain Significance.

Labcorp Genetics (formerly Invitae), Labcorp
Classification: Uncertain significance for Familial cancer of breast; Fanconi anemia complementation group J. Last evaluated: 2025-08-31. Review status: criteria provided, single submitter. Criteria: Invitae Variant Classification Sherloc (09022015). Collection method: clinical testing. Allele origin: germline.
Comment: This sequence change replaces alanine, which is neutral and non-polar, with valine, which is neutral and non-polar, at codon 599 of the BRIP1 protein (p.Ala599Val). This variant is not present in population databases (gnomAD no frequency). This variant has not been reported in the literature in individuals affected with BRIP1-related conditions. ClinVar contains an entry for this variant (Variation ID: 2944568). Invitae Evidence Modeling of protein sequence and biophysical properties (such as structural, functional, and spatial information, amino acid conservation, physicochemical variation, residue mobility, and thermodynamic stability) indicates that this missense variant is not expected to disrupt BRIP1 protein function with a negative predictive value of 95%. In summary, the available evidence is currently insufficient to determine the role of this variant in disease. Therefore, it has been classified as a Variant of Uncertain Significance.

Literature cited by the submitters: PubMed 26921362 (cited by Color Diagnostics, LLC DBA Color Health).

NM_032043.3(BRIP1):c.1796C>T (p.Ala599Val)

Gene: BRIP1 (BRCA1 interacting DNA helicase 1; minus strand). Cytogenetic location: 17q23.2.
Variant type: single nucleotide variant.
Coding change: c.1796C>T on transcript NM_032043.3 (MANE Select); coding-DNA position 1796, C replaced by T.
Protein change: p.Ala599Val; replaces alanine 599 with valine.
Molecular consequence: missense variant.
Genome position (GRCh38, 1-based): chr17:61,780,400, G>A on the plus strand (C>T on the coding strand, the complement: BRIP1 is on the minus strand). VCF-style: chr17-61780400-G-A. GRCh37 (hg19) VCF-style: chr17-59857761-G-A.
Other names: short protein forms A599V.
Identifiers: ClinVar variation 2944568 (VCV002944568.3), dbSNP rs2145081917, ClinGen allele CA400480229.
Genomic context (GRCh38, chr17:61,780,400, plus strand): 5'-GGTGATAATGTACCAGATGTCAAAACAATGGTCTGAACTTTGCCATTAATATCTGAAAAG[G>A]CCTAAAAGAAAACAACATTAGATAAATAAAATTATCTTTAGAAGAGGCTGGGCAAAGTGG-3'
Protein context (NP_114432.2, residues 589-609): LNFWCLNPAV[Ala599Val]FSDINGKVQT